The following is an entry in ClinVar:

NM_000257.4(MYH7):c.4520-25C>T

Genes: MHRT (myosin heavy chain associated RNA transcript; plus strand), MYH7 (myosin heavy chain 7; minus strand). Cytogenetic location: 14q11.2.
Variant type: single nucleotide variant.
Coding change: c.4520-25C>T on transcript NM_000257.4 (MANE Select); 25 bases into the intron before coding-DNA position 4520, C replaced by T.
Molecular consequence: intron variant.
Genome position (GRCh38, 1-based): chr14:23,417,017, G>A on the plus strand (C>T on the coding strand, the complement: MYH7 is on the minus strand). VCF-style: chr14-23417017-G-A. GRCh37 (hg19) VCF-style: chr14-23886226-G-A.
Identifiers: ClinVar variation 188636 (VCV000188636.62), dbSNP rs45503601, ClinGen allele CA015063.

ClinVar aggregate classification (germline): Benign/Likely benign. Review status: criteria provided, multiple submitters, no conflicts (2 of 4 stars). 9 submissions from 9 submitters: Benign (5); Likely benign (1). 3 of the submissions do not count toward it. Last evaluated 2026-09-01.

Conditions:
Dilated cardiomyopathy 1S (CMD1S). Identifiers: Orphanet 154, Orphanet 54260, MedGen C1834481, MONDO:0013262, OMIM 613426.
Congenital myopathy with fiber type disproportion. Also called: Congenital fiber-type disproportion; Congenital fiber-type disproportion myopathy. Identifiers: Orphanet 2020, MedGen C0546264, MONDO:0009711. Inheritance: all.
MYH7-related skeletal myopathy. Also called: MYOPATHY, DISTAL, EARLY-ONSET, AUTOSOMAL DOMINANT; MYOPATHY, LATE DISTAL HEREDITARY; Myopathy, distal, 1; Laing distal myopathy; Laing early-onset distal myopathy. Identifiers: Orphanet 59135, MedGen C4552004, MONDO:0008050, OMIM 160500.
Myopathy, myosin storage, autosomal recessive (CMYO7B). Also called: CONGENITAL MYOPATHY 7B, MYOSIN STORAGE, AUTOSOMAL RECESSIVE. Identifiers: Orphanet 636970, MedGen C1850709, MONDO:0009708, OMIM 255160.
Myosin storage myopathy (CMYO7A). Also called: MYH7-related late-onset scapuloperoneal muscular dystrophy; Congenital myopathy 7A, myosin storage, autosomal dominant; MYOPATHY, HYALINE BODY, AUTOSOMAL DOMINANT; SCAPULOPERONEAL MUSCULAR DYSTROPHY; SCAPULOPERONEAL SYNDROME, MYOPATHIC TYPE; Scapuloperoneal myopathy, MYH7-related. Identifiers: Orphanet 437572, Orphanet 636965, MedGen C1842160, MONDO:0008409, OMIM 608358.
Hypertrophic cardiomyopathy 1 (CMH1). Also called: Familial hypertrophic cardiomyopathy 1; MYH7-Related Familial Hypertrophic Cardiomyopathy. Identifiers: MedGen C3495498, MONDO:0008647, OMIM 192600.
Hypertrophic cardiomyopathy. Also called: HYPERTROPHIC MYOCARDIOPATHY. Identifiers: Orphanet 217569, MedGen C0007194, MeSH D002312, MONDO:0005045, HP:0001639.

Allele frequency attached by ClinVar (database versions not stated): 1000 Genomes Project 0.00359; 1000 Genomes Project 30x 0.00406; gnomAD exomes 0.00728 and 0.01011; TOPMed 0.00729; ExAC 0.00745; gnomAD 0.00787 and 0.00789; ESP Exome Variant Server 0.00938.

Submissions (9):

CeGaT Center for Human Genetics Tuebingen
Classification: Benign. Last evaluated: 2026-09-01. Review status: criteria provided, single submitter. Criteria: CeGaT Center For Human Genetics Tuebingen Variant Classification Criteria Version 2. Collection method: clinical testing. Allele origin: germline. Affected: yes. Observed: 48 variant alleles.
Comment: MYH7: BS1, BS2

Labcorp Genetics (formerly Invitae), Labcorp
Classification: Benign for Hypertrophic cardiomyopathy. Last evaluated: 2026-01-12. Review status: criteria provided, single submitter. Criteria: Invitae Variant Classification Sherloc (09022015). Collection method: clinical testing. Allele origin: germline.

ARUP Laboratories, Molecular Genetics and Genomics, ARUP Laboratories
Classification: Benign. Last evaluated: 2025-05-29. Review status: criteria provided, single submitter. Criteria: ARUP Molecular Germline Variant Investigation Process 2024. Collection method: clinical testing. Allele origin: germline.

Fulgent Genetics
Classification: Benign for MYH7-related skeletal myopathy; Myosin storage myopathy; Hypertrophic cardiomyopathy 1; Myopathy, myosin storage, autosomal recessive; Congenital myopathy 4A, autosomal dominant; Dilated cardiomyopathy 1S. Last evaluated: 2021-11-05. Review status: criteria provided, single submitter. Criteria: ACMG Guidelines, 2015. Collection method: clinical testing. Allele origin: unknown.

GeneDx
Classification: Likely benign. Last evaluated: 2018-06-26. Review status: criteria provided, single submitter. Criteria: GeneDx Variant Classification Process June 2021. Collection method: clinical testing. Allele origin: germline. Affected: yes.
Comment: This variant is associated with the following publications: (PMID: 15483641)

PreventionGenetics, part of Exact Sciences
Classification: Benign. Review status: criteria provided, single submitter. Criteria: ACMG Guidelines, 2015. Collection method: clinical testing. Allele origin: germline.

Clinical Genetics DNA and cytogenetics Diagnostics Lab, Erasmus MC, Erasmus Medical Center
Classification: Benign. Review status: no assertion criteria provided. Collection method: clinical testing. Allele origin: germline. Affected: yes. Study: VKGL Data-share Consensus. Not counted in ClinVar's aggregate classification.

Genome Diagnostics Laboratory, University Medical Center Utrecht
Classification: Benign. Review status: no assertion criteria provided. Collection method: clinical testing. Allele origin: germline. Affected: yes. Study: VKGL Data-share Consensus. Not counted in ClinVar's aggregate classification.

Joint Genome Diagnostic Labs from Nijmegen and Maastricht, Radboudumc and MUMC+
Classification: Benign. Review status: no assertion criteria provided. Collection method: clinical testing. Allele origin: germline. Affected: yes. Study: VKGL Data-share Consensus. Not counted in ClinVar's aggregate classification.